The following is an entry in ClinVar:

ClinVar aggregate classification (germline): Uncertain significance (1 of 4 stars; one submission).

Conditions:
Nemaline myopathy 2 (NEM2). Also called: Nemaline myopathy 2, autosomal recessive. Identifiers: MedGen C1850569, MONDO:0009725, OMIM 256030.

Submission:

Labcorp Genetics (formerly Invitae), Labcorp
Classification: Uncertain significance for Nemaline myopathy 2. Last evaluated: 2021-05-12. Review status: criteria provided, single submitter. Criteria: Invitae Variant Classification Sherloc (09022015). Collection method: clinical testing. Allele origin: germline.
Comment: This sequence change replaces lysine with threonine at codon 5803 of the NEB protein (p.Lys5803Thr). The lysine residue is moderately conserved and there is a moderate physicochemical difference between lysine and threonine. This variant is not present in population databases (ExAC no frequency). This variant has not been reported in the literature in individuals with NEB-related conditions. Algorithms developed to predict the effect of missense changes on protein structure and function are either unavailable or do not agree on the potential impact of this missense change (SIFT: "Deleterious"; PolyPhen-2: "Not Available"; Align-GVGD: "Class C0"). In summary, the available evidence is currently insufficient to determine the role of this variant in disease. Therefore, it has been classified as a Variant of Uncertain Significance.

NM_001164508.2(NEB):c.17408A>C (p.Lys5803Thr)

Gene: NEB (nebulin; minus strand). Cytogenetic location: 2q23.3.
Variant type: single nucleotide variant.
Coding change: c.17408A>C on transcript NM_001164508.2 (MANE Select); coding-DNA position 17408, A replaced by C.
Protein change: p.Lys5803Thr; replaces lysine 5803 with threonine.
Molecular consequence: missense variant.
Genome position (GRCh38, 1-based): chr2:151,570,103, T>G on the plus strand (A>C on the coding strand, the complement: NEB is on the minus strand). VCF-style: chr2-151570103-T-G. GRCh37 (hg19) VCF-style: chr2-152426617-T-G.
Other names: c.17408A>C, p.Lys5803Thr (NM_001164507.2, NM_001271208.2); c.12305A>C, p.Lys4102Thr (NM_004543.5); short protein forms K5803T, K4102T.
Identifiers: ClinVar variation 1949247 (VCV001949247.2), dbSNP rs2552195805, ClinGen allele CA348807261.